The following is an entry in ClinVar:

NM_000388.4(CASR):c.1076A>G (p.His359Arg)

Gene: CASR (calcium sensing receptor; plus strand). Cytogenetic location: 3q21.1.
Variant type: single nucleotide variant.
Coding change: c.1076A>G on transcript NM_000388.4 (MANE Select); coding-DNA position 1076, A replaced by G.
Protein change: p.His359Arg; replaces histidine 359 with arginine.
Molecular consequence: missense variant.
Genome position (GRCh38, 1-based): chr3:122,262,111, A>G. VCF-style: chr3-122262111-A-G. GRCh37 (hg19) VCF-style: chr3-121980958-A-G.
Other names: c.1076A>G, p.His359Arg (NM_001178065.2); short protein forms H359R.
Identifiers: ClinVar variation 847599 (VCV000847599.12), dbSNP rs1576859031, ClinGen allele CA354152538.

ClinVar aggregate classification (germline): Uncertain significance. Review status: criteria provided, multiple submitters, no conflicts (2 of 4 stars). 2 submissions from 2 submitters: Uncertain significance (2). Last evaluated 2022-11-07.

Conditions:
Autosomal dominant hypocalcemia 1 (HYPOC1). Also called: HYPOCALCEMIA, FAMILIAL. Identifiers: MedGen C3715128, MONDO:0011013, OMIM 601198.
Familial hypocalciuric hypercalcemia (FHH). Also called: Familial benign hypercalcemia. Identifiers: Orphanet 405, MedGen C1809471, MONDO:0018458.
Nephrolithiasis/nephrocalcinosis. Identifiers: MedGen CN580796.

Submissions (2):

Labcorp Genetics (formerly Invitae), Labcorp
Classification: Uncertain significance for Familial hypocalciuric hypercalcemia; Autosomal dominant hypocalcemia 1. Last evaluated: 2022-11-07. Review status: criteria provided, single submitter. Criteria: Invitae Variant Classification Sherloc (09022015). Collection method: clinical testing. Allele origin: germline.
Comment: In summary, the available evidence is currently insufficient to determine the role of this variant in disease. Therefore, it has been classified as a Variant of Uncertain Significance. This variant has not been reported in the literature in individuals affected with CASR-related conditions. ClinVar contains an entry for this variant (Variation ID: 847599). Algorithms developed to predict the effect of missense changes on protein structure and function are either unavailable or do not agree on the potential impact of this missense change (SIFT: "Deleterious"; PolyPhen-2: "Benign"; Align-GVGD: "Class C0"). This sequence change replaces histidine, which is basic and polar, with arginine, which is basic and polar, at codon 359 of the CASR protein (p.His359Arg). This variant is not present in population databases (gnomAD no frequency).

Ambry Genetics
Classification: Uncertain significance for Nephrolithiasis/nephrocalcinosis. Last evaluated: 2022-09-12. Review status: criteria provided, single submitter. Criteria: Ambry Variant Classification Scheme 2023. Collection method: clinical testing. Allele origin: germline.
Comment: The p.H359R variant (also known as c.1076A>G), located in coding exon 3 of the CASR gene, results from an A to G substitution at nucleotide position 1076. The histidine at codon 359 is replaced by arginine, an amino acid with highly similar properties. This amino acid position is conserved. In addition, the in silico prediction for this alteration is inconclusive. Since supporting evidence is limited at this time, the clinical significance of this alteration remains unclear.